The following is an entry in ClinVar:

ClinVar aggregate classification (germline): Likely pathogenic (1 of 4 stars; one submission).

Conditions:
Hypertrichotic osteochondrodysplasia Cantu type. Also called: Cantu Syndrome; Cantú Syndrome. Identifiers: Orphanet 1517, MedGen C0795905, MONDO:0009406, OMIM 239850.

Submission:

Victorian Clinical Genetics Services, Murdoch Childrens Research Institute
Classification: Likely pathogenic for Hypertrichotic osteochondrodysplasia Cantu type. Last evaluated: 2015-06-03. Review status: criteria provided, single submitter. Criteria: ACMG Guidelines, 2015. Collection method: clinical testing. Allele origin: de novo. Inheritance: Autosomal dominant inheritance. Affected: yes. Observed: 1 variant allele.
Comment: This change results in a substitution of a phenylalanine for a serine at amino acid position 293, NP_005682.2(ABCC9): p.(Phe293Ser). The phenylalanine is predicted to be situated just prior to the first transmembrane domain of the ABCC9 protein. The amino acid residue is highly conserved and in-silico software predicts the variant to be pathogenic. This is a novel variant, not present in population or disease databses.

Literature cited by the submitters: PubMed 26938784.

NM_020297.4(ABCC9):c.878T>C (p.Phe293Ser)

Gene: ABCC9 (ATP binding cassette subfamily C member 9; minus strand). Cytogenetic location: 12p12.1.
Variant type: single nucleotide variant.
Coding change: c.878T>C on transcript NM_020297.4 (MANE Select); coding-DNA position 878, T replaced by C.
Protein change: p.Phe293Ser; replaces phenylalanine 293 with serine.
Molecular consequence: missense variant.
Genome position (GRCh38, 1-based): chr12:21,913,005, A>G on the plus strand (T>C on the coding strand, the complement: ABCC9 is on the minus strand). VCF-style: chr12-21913005-A-G. GRCh37 (hg19) VCF-style: chr12-22065939-A-G.
Other names: c.878T>C, p.Phe293Ser (NM_001377273.1, NM_005691.4); c.14T>C, p.Phe5Ser (NM_001377274.1); short protein forms F293S, F5S.
Identifiers: ClinVar variation 369679 (VCV000369679.4), dbSNP rs1057516044, ClinGen allele CA10654763.